The following is an entry in ClinVar:

ClinVar aggregate classification (germline): Pathogenic. Review status: criteria provided, multiple submitters, no conflicts (2 of 4 stars). 2 submissions from 2 submitters: Pathogenic (2). Last evaluated 2023-09-13.

Conditions:
Familial cancer of breast. Also called: BREAST CANCER, FAMILIAL; Hereditary breast cancer; hereditary breast carcinoma. Identifiers: Orphanet 227535, MedGen C0346153, MONDO:0016419, OMIM 114480. Disease mechanism: loss of function.

Submissions (2):

Myriad Genetics, Inc.
Classification: Pathogenic for Familial cancer of breast. Last evaluated: 2023-09-13. Review status: criteria provided, single submitter. Criteria: Myriad Autosomal Dominant, Autosomal Recessive and X-Linked Classification Criteria (2023). Collection method: clinical testing. Allele origin: unknown.
Comment: This variant is considered pathogenic. This variant creates a termination codon and is predicted to result in premature protein truncation.

Labcorp Genetics (formerly Invitae), Labcorp
Classification: Pathogenic for Familial cancer of breast. Last evaluated: 2019-06-05. Review status: criteria provided, single submitter. Criteria: Invitae Variant Classification Sherloc (09022015). Collection method: clinical testing. Allele origin: germline.
Comment: This sequence change creates a premature translational stop signal (p.Cys868*) in the PALB2 gene. It is expected to result in an absent or disrupted protein product. This variant is not present in population databases (ExAC no frequency). For these reasons, this variant has been classified as Pathogenic. Loss-of-function variants in PALB2 are known to be pathogenic (PMID: 17200668, 24136930, 25099575). This variant has not been reported in the literature in individuals with PALB2-related conditions.

Literature cited by the submitters: PubMed 17200668 (cited by Labcorp Genetics (formerly Invitae), Labcorp); PubMed 24136930 (cited by Labcorp Genetics (formerly Invitae), Labcorp); PubMed 25099575 (cited by Labcorp Genetics (formerly Invitae), Labcorp).

NM_024675.4(PALB2):c.2604_2611del (p.Cys868_Asp871delinsTer)

Gene: PALB2 (partner and localizer of BRCA2; minus strand). Cytogenetic location: 16p12.2.
Variant type: Deletion.
Coding change: c.2604_2611del on transcript NM_024675.4 (MANE Select); coding-DNA positions 2604 to 2611, 8 bases deleted (TTCCGTAG; older notation c.2604_2611delTTCCGTAG).
Protein change: p.Cys868_Asp871delinsTer.
Molecular consequence: nonsense.
Genome position (GRCh38, 1-based): chr16:23,626,373-23,626,380, CTACGGAA deleted on the plus strand (TTCCGTAG on the coding strand, the reverse complement: PALB2 is on the minus strand); deleting any 8 consecutive bases within chr16:23,626,373-23,626,381 gives the same sequence; the c. name uses the placement nearest the transcript's 3' end. VCF-style (leftmost placement, unchanged base first): chr16-23626372-TCTACGGAA-T. GRCh37 (hg19) VCF-style: chr16-23637693-TCTACGGAA-T.
Identifiers: ClinVar variation 952804 (VCV000952804.9), dbSNP rs1966842803, ClinGen allele CA1139664581.
Genomic context (GRCh38, chr16:23,626,372, plus strand): 5'-CAAGCAGTTATGATACATGGCTCTTTACAACCGGCTCTTTCCCAAAACATGGCACTCACA[TCTACGGAA>T]CAGGAACCTGAAGGATTCTGACACAATGGCAACAGTTCTGTTAAAGTGGCACTCGAGTGC-3'